The following is an entry in ClinVar:

NM_002439.5(MSH3):c.802C>T (p.Arg268Ter)

Gene: MSH3 (mutS homolog 3; plus strand). Cytogenetic location: 5q14.1.
Variant type: single nucleotide variant.
Coding change: c.802C>T on transcript NM_002439.5 (MANE Select); coding-DNA position 802, C replaced by T.
Protein change: p.Arg268Ter; replaces arginine 268 with a stop codon.
Molecular consequence: nonsense.
Genome position (GRCh38, 1-based): chr5:80,672,253, C>T. VCF-style: chr5-80672253-C-T. GRCh37 (hg19) VCF-style: chr5-79968072-C-T.
Other names: short protein forms R268*.
Identifiers: ClinVar variation 652518 (VCV000652518.20), dbSNP rs201033017, ClinGen allele CA121293962.

ClinVar aggregate classification (germline): Pathogenic/Likely pathogenic. Review status: criteria provided, multiple submitters, no conflicts (2 of 4 stars). 5 submissions from 5 submitters: Pathogenic (4); Likely pathogenic (1). Last evaluated 2026-05-01.

Conditions:
Endometrial carcinoma. Also called: Endometrial carcinoma, somatic. Identifiers: MedGen C0476089, MONDO:0002447, OMIM 608089, HP:0012114.
Hereditary cancer-predisposing syndrome. Also called: Neoplastic Syndromes, Hereditary; Hereditary Cancer Syndrome; Tumor predisposition; Hereditary neoplastic syndrome. Identifiers: Orphanet 140162, MedGen C0027672, MeSH D009386, MONDO:0015356.
Familial adenomatous polyposis 4 (FAP4). Also called: MSH3-related attenuated familial adenomatous polyposis. Identifiers: Orphanet 480536, MedGen C4310719, MONDO:0044300, OMIM 617100.

Allele frequency attached by ClinVar (database versions not stated): gnomAD exomes 0.00001; gnomAD 0.00002; TOPMed 0.00002.
gnomAD v4.1: 23 of 1,611,038 alleles (0.0014%); highest among the groups gnomAD compares: Admixed American, 0.005%; no homozygotes.

Submissions (5):

CeGaT Center for Human Genetics Tuebingen
Classification: Pathogenic. Last evaluated: 2026-05-01. Review status: criteria provided, single submitter. Criteria: CeGaT Center For Human Genetics Tuebingen Variant Classification Criteria Version 2. Collection method: clinical testing. Allele origin: germline. Affected: yes. Observed: 1 variant allele.
Comment: MSH3: PVS1, PM2

Ambry Genetics
Classification: Pathogenic for Hereditary cancer-predisposing syndrome. Last evaluated: 2025-10-30. Review status: criteria provided, single submitter. Criteria: Ambry Variant Classification Scheme 2023. Collection method: clinical testing. Allele origin: germline.
Comment: The p.R268* pathogenic mutation (also known as c.802C>T), located in coding exon 5 of the MSH3 gene, results from a C to T substitution at nucleotide position 802. This changes the amino acid from an arginine to a stop codon within coding exon 5. This alteration is expected to result in loss of function by premature protein truncation or nonsense-mediated mRNA decay. As such, this alteration is interpreted as a disease-causing mutation.

Labcorp Genetics (formerly Invitae), Labcorp
Classification: Pathogenic. Last evaluated: 2025-09-03. Review status: criteria provided, single submitter. Criteria: Invitae Variant Classification Sherloc (09022015). Collection method: clinical testing. Allele origin: germline.
Comment: This sequence change creates a premature translational stop signal (p.Arg268*) in the MSH3 gene. It is expected to result in an absent or disrupted protein product. Loss-of-function variants in MSH3 are known to be pathogenic (PMID: 27476653, 37402566). This variant is present in population databases (rs201033017, gnomAD 0.009%). This variant has not been reported in the literature in individuals affected with MSH3-related conditions. ClinVar contains an entry for this variant (Variation ID: 652518). For these reasons, this variant has been classified as Pathogenic.

Baylor Genetics
Classification: Likely pathogenic for Endometrial carcinoma. Last evaluated: 2024-01-06. Review status: criteria provided, single submitter. Criteria: ACMG Guidelines, 2015. Collection method: clinical testing. Allele origin: unknown.

Myriad Genetics, Inc.
Classification: Pathogenic for Familial adenomatous polyposis 4. Last evaluated: 2023-08-29. Review status: criteria provided, single submitter. Criteria: Myriad Autosomal Dominant, Autosomal Recessive and X-Linked Classification Criteria (2023). Collection method: clinical testing. Allele origin: unknown.
Comment: This variant is considered pathogenic. This variant creates a termination codon and is predicted to result in premature protein truncation.

Literature cited by the submitters: PubMed 27476653 (cited by Labcorp Genetics (formerly Invitae), Labcorp); PubMed 37402566 (cited by Labcorp Genetics (formerly Invitae), Labcorp).